The following is an entry in ClinVar:

NM_001082486.2(ACD):c.233C>A (p.Thr78Asn)

Gene: ACD (ACD shelterin complex subunit and telomerase recruitment factor; minus strand). Cytogenetic location: 16q22.1.
Variant type: single nucleotide variant.
Coding change: c.233C>A on transcript NM_001082486.2 (MANE Select); coding-DNA position 233, C replaced by A.
Protein change: p.Thr78Asn; replaces threonine 78 with asparagine.
Molecular consequence: missense variant.
Genome position (GRCh38, 1-based): chr16:67,659,912, G>T on the plus strand (C>A on the coding strand, the complement: ACD is on the minus strand). VCF-style: chr16-67659912-G-T. GRCh37 (hg19) VCF-style: chr16-67693815-G-T.
Other names: c.233C>A, p.Thr78Asn (NM_001410884.1); c.224C>A, p.Thr75Asn (NM_022914.3); c.491C>A (NM_001082486.1); short protein forms T75N, T78N.
Identifiers: ClinVar variation 2417860 (VCV002417860.9), dbSNP rs375257354, ClinGen allele CA283218535.
Genomic context (GRCh38, chr16:67,659,912, plus strand): 5'-TCGCGCTCTCCTGCCGGACTCCGACCTCCAGAGCCGCGCGGGGCCTCTCACCAGTCCGAG[G>T]TGTCCAGGGCCTCCCGCGTCACCAGGCATCGGACACTGTGGGTCCCGTCAGACACAAGCA-3'
Protein context (NP_001075955.2, residues 68-88): RCLVTREALD[Thr78Asn]SDWEEKEFGF

ClinVar aggregate classification (germline): Uncertain significance. Review status: criteria provided, multiple submitters, no conflicts (2 of 4 stars). 2 submissions from 2 submitters: Uncertain significance (2). Last evaluated 2024-05-04.

Conditions:
Dyskeratosis congenita, autosomal dominant 6 (DKCA6). Identifiers: Orphanet 3322, MedGen C4225284, MONDO:0014690, OMIM 616553.
Inborn genetic diseases. Identifiers: MedGen C0950123, MeSH D030342.

gnomAD v4.1: 6 of 1,597,096 alleles (0.00038%); highest among the groups gnomAD compares: Non-Finnish European, 0.00026%; no homozygotes.

Submissions (2):

Labcorp Genetics (formerly Invitae), Labcorp
Classification: Uncertain significance for Dyskeratosis congenita, autosomal dominant 6. Last evaluated: 2024-05-04. Review status: criteria provided, single submitter. Criteria: Invitae Variant Classification Sherloc (09022015). Collection method: clinical testing. Allele origin: germline.
Comment: This sequence change replaces threonine, which is neutral and polar, with asparagine, which is neutral and polar, at codon 164 of the ACD protein (p.Thr164Asn). This variant is not present in population databases (gnomAD no frequency). This variant has not been reported in the literature in individuals affected with ACD-related conditions. ClinVar contains an entry for this variant (Variation ID: 2417860). Advanced modeling of protein sequence and biophysical properties (such as structural, functional, and spatial information, amino acid conservation, physicochemical variation, residue mobility, and thermodynamic stability) performed at Invitae indicates that this missense variant is not expected to disrupt ACD protein function with a negative predictive value of 80%. In summary, the available evidence is currently insufficient to determine the role of this variant in disease. Therefore, it has been classified as a Variant of Uncertain Significance.

Ambry Genetics
Classification: Uncertain significance for Inborn genetic diseases. Last evaluated: 2023-04-07. Review status: criteria provided, single submitter. Criteria: Ambry Variant Classification Scheme 2023. Collection method: clinical testing. Allele origin: germline.
Comment: The p.T164N variant (also known as c.491C>A), located in coding exon 2 of the ACD gene, results from a C to A substitution at nucleotide position 491. The threonine at codon 164 is replaced by asparagine, an amino acid with similar properties. This amino acid position is conserved. In addition, this alteration is predicted to be tolerated by in silico analysis. Since supporting evidence is limited at this time, the clinical significance of this alteration remains unclear.